The following is an entry in ClinVar:

ClinVar aggregate classification (germline): Uncertain significance (1 of 4 stars; one submission).

Conditions:
X-linked lymphoproliferative disease due to XIAP deficiency. Also called: XIAP-Related Lymphoproliferative Disease, X-Linked; XIAP DEFICIENCY. Identifiers: Orphanet 2442, Orphanet 538934, MedGen C1845076, MONDO:0010385, OMIM 300635.

Submission:

Labcorp Genetics (formerly Invitae), Labcorp
Classification: Uncertain significance for X-linked lymphoproliferative disease due to XIAP deficiency. Last evaluated: 2025-06-22. Review status: criteria provided, single submitter. Criteria: Invitae Variant Classification Sherloc (09022015). Collection method: clinical testing. Allele origin: germline.
Comment: This sequence change replaces lysine, which is basic and polar, with glutamic acid, which is acidic and polar, at codon 433 of the XIAP protein (p.Lys433Glu). This variant is not present in population databases (gnomAD no frequency). This variant has not been reported in the literature in individuals affected with XIAP-related conditions. An algorithm developed to predict the effect of missense changes on protein structure and function (PolyPhen-2) suggests that this variant is likely to be tolerated. In summary, the available evidence is currently insufficient to determine the role of this variant in disease. Therefore, it has been classified as a Variant of Uncertain Significance.

NM_001167.4(XIAP):c.1297A>G (p.Lys433Glu)

Gene: XIAP (X-linked inhibitor of apoptosis; plus strand). Cytogenetic location: Xq25.
Variant type: single nucleotide variant.
Coding change: c.1297A>G on transcript NM_001167.4 (MANE Select); coding-DNA position 1297, A replaced by G.
Protein change: p.Lys433Glu; replaces lysine 433 with glutamic acid.
Molecular consequence: missense variant. On other transcripts: non-coding transcript variant (2).
Genome position (GRCh38, 1-based): chrX:123,900,690, A>G. VCF-style: chrX-123900690-A-G. GRCh37 (hg19) VCF-style: chrX-123034540-A-G.
Other names: c.1297A>G, p.Lys433Glu (NM_001204401.2, NM_001378590.1, NM_001378591.1 and 1 more transcripts); short protein forms K433E.
Identifiers: ClinVar variation 4721892 (VCV004721892.1).